The following is an entry in ClinVar:

NM_002439.5(MSH3):c.973C>T (p.Leu325Phe)

Genes: MSH3 (mutS homolog 3; plus strand), LOC126807437 (MED14-independent group 3 enhancer GRCh37_chr5:79968379-79969578; plus strand). Cytogenetic location: 5q14.1.
Variant type: single nucleotide variant.
Coding change: c.973C>T on transcript NM_002439.5 (MANE Select); coding-DNA position 973, C replaced by T.
Protein change: p.Leu325Phe; replaces leucine 325 with phenylalanine.
Molecular consequence: missense variant.
Genome position (GRCh38, 1-based): chr5:80,672,804, C>T. VCF-style: chr5-80672804-C-T. GRCh37 (hg19) VCF-style: chr5-79968623-C-T.
Other names: short protein forms L325F.
Identifiers: ClinVar variation 3296265 (VCV003296265.1).

ClinVar aggregate classification (germline): Uncertain significance (1 of 4 stars; one submission).

Conditions:
Hereditary cancer-predisposing syndrome. Also called: Tumor predisposition; Hereditary Cancer Syndrome; Hereditary neoplastic syndrome; Neoplastic Syndromes, Hereditary. Identifiers: Orphanet 140162, MedGen C0027672, MeSH D009386, MONDO:0015356.

Submission:

Ambry Genetics
Classification: Uncertain significance for Hereditary cancer-predisposing syndrome. Last evaluated: 2024-03-23. Review status: criteria provided, single submitter. Criteria: Ambry Variant Classification Scheme 2023. Collection method: clinical testing. Allele origin: germline.
Comment: The p.L325F variant (also known as c.973C>T), located in coding exon 6 of the MSH3 gene, results from a C to T substitution at nucleotide position 973. The leucine at codon 325 is replaced by phenylalanine, an amino acid with highly similar properties. This amino acid position is conserved. In addition, this alteration is predicted to be tolerated by in silico analysis. Based on the available evidence, the clinical significance of this alteration remains unclear.